The following is an entry in ClinVar:

NM_017617.5(NOTCH1):c.949G>A (p.Gly317Ser)

Gene: NOTCH1 (notch receptor 1; minus strand). Cytogenetic location: 9q34.3.
Variant type: single nucleotide variant.
Coding change: c.949G>A on transcript NM_017617.5 (MANE Select); coding-DNA position 949, G replaced by A.
Protein change: p.Gly317Ser; replaces glycine 317 with serine.
Molecular consequence: missense variant.
Genome position (GRCh38, 1-based): chr9:136,518,741, C>T on the plus strand (G>A on the coding strand, the complement: NOTCH1 is on the minus strand). VCF-style: chr9-136518741-C-T. GRCh37 (hg19) VCF-style: chr9-139413193-C-T.
Other names: c.949G>A, p.Gly317Ser (LRG_1122t1); short protein forms G317S.
Identifiers: ClinVar variation 520081 (VCV000520081.18), dbSNP rs749696049, ClinGen allele CA5341970.

ClinVar aggregate classification (germline): Conflicting classifications of pathogenicity. Review status: criteria provided, conflicting classifications (1 of 4 stars). 6 submissions from 5 submitters: Uncertain significance (5); Likely benign (1). Last evaluated 2025-03-23.

Conditions:
Adams-Oliver syndrome 5 (AOS5). Identifiers: Orphanet 974, MedGen C4014970, MONDO:0014459, OMIM 616028.
Familial thoracic aortic aneurysm and aortic dissection (TAAD). Also called: Thoracic aortic aneurysms and dissections. Identifiers: Orphanet 91387, MedGen C4707243, MONDO:0019625.
Aortic valve disease 1 (AOVD1). Identifiers: MedGen C3887892, MONDO:0024523, OMIM 109730.

Allele frequency attached by ClinVar (database versions not stated): gnomAD 0.00001; TOPMed 0.00002.
gnomAD v4.1: 12 of 1,612,818 alleles (0.00074%); highest among the groups gnomAD compares: African/African-American, 0.004%; no homozygotes.

Submissions (6):

Ambry Genetics
Classification: Uncertain significance for Familial thoracic aortic aneurysm and aortic dissection. Last evaluated: 2025-03-23. Review status: criteria provided, single submitter. Criteria: Ambry Variant Classification Scheme 2023. Collection method: clinical testing. Allele origin: germline.
Comment: The p.G317S variant (also known as c.949G>A), located in coding exon 6 of the NOTCH1 gene, results from a G to A substitution at nucleotide position 949. The glycine at codon 317 is replaced by serine, an amino acid with similar properties. This amino acid position is highly conserved in available vertebrate species. In addition, this alteration is predicted to be deleterious by in silico analysis. Since supporting evidence is limited at this time, the clinical significance of this alteration remains unclear.

Labcorp Genetics (formerly Invitae), Labcorp
Classification: Likely benign for Adams-Oliver syndrome 5. Last evaluated: 2022-11-28. Review status: criteria provided, single submitter. Criteria: Invitae Variant Classification Sherloc (09022015). Collection method: clinical testing. Allele origin: germline.

AiLife Diagnostics
Classification: Uncertain significance. Last evaluated: 2022-03-24. Review status: criteria provided, single submitter. Criteria: ACMG Guidelines, 2015. Collection method: clinical testing. Allele origin: germline. Affected: yes. Observed: 1 variant allele.

Genome-Nilou Lab
Classification: Uncertain significance for Adams-Oliver syndrome 5. Last evaluated: 2022-03-15. Review status: criteria provided, single submitter. Criteria: ACMG Guidelines, 2015. Collection method: clinical testing. Allele origin: germline. Affected: no.

Genome-Nilou Lab
Classification: Uncertain significance for Aortic valve disease 1. Last evaluated: 2022-03-15. Review status: criteria provided, single submitter. Criteria: ACMG Guidelines, 2015. Collection method: clinical testing. Allele origin: germline. Affected: no.

GeneDx
Classification: Uncertain significance. Last evaluated: 2020-01-15. Review status: criteria provided, single submitter. Criteria: GeneDx Variant Classification Process June 2021. Collection method: clinical testing. Allele origin: germline. Affected: yes.
Comment: Has not been previously published as pathogenic or benign to our knowledge; Not observed at a significant frequency in large population cohorts (Lek et al., 2016); Reported as a variant of uncertain significance by another clinical laboratory in ClinVar (ClinVar Variant ID# 520081; Landrum et al., 2016); In silico analysis, which includes protein predictors and evolutionary conservation, supports a deleterious effect